The following is an entry in ClinVar:

NM_000256.3(MYBPC3):c.547C>G (p.Leu183Val)

Gene: MYBPC3 (myosin binding protein C3; minus strand). Cytogenetic location: 11p11.2.
Variant type: single nucleotide variant.
Coding change: c.547C>G on transcript NM_000256.3 (MANE Select); coding-DNA position 547, C replaced by G.
Protein change: p.Leu183Val; replaces leucine 183 with valine.
Molecular consequence: missense variant.
Genome position (GRCh38, 1-based): chr11:47,349,881, G>C on the plus strand (C>G on the coding strand, the complement: MYBPC3 is on the minus strand). VCF-style: chr11-47349881-G-C. GRCh37 (hg19) VCF-style: chr11-47371432-G-C.
Other names: c.547C>G, p.Leu183Val (LRG_386t1); short protein forms L183V.
Identifiers: ClinVar variation 452047 (VCV000452047.2), dbSNP rs1293264960, ClinGen allele CA380338000.

ClinVar aggregate classification (germline): Uncertain significance (1 of 4 stars; one submission).

Submission:

GeneDx
Classification: Uncertain significance. Last evaluated: 2017-09-18. Review status: criteria provided, single submitter. Criteria: GeneDx Variant Classification (06012015). Collection method: clinical testing. Allele origin: germline. Affected: yes.
Comment: A variant of uncertain significance has been identified in the MYBPC3 gene. The L183V variant has not been published as pathogenic or been reported as benign to our knowledge. This variant is not observed in large population cohorts (Lek et al., 2016; 1000 Genomes Consortium et al., 2015; Exome Variant Server). The L183V substitution occurs at a position that is conserved across species and in silico analysis predicts this variant is probably damaging to the protein structure/function. Nevertheless, the L183V variant is a conservative amino acid substitution, which is not likely to impact secondary protein structure as these residues share similar properties.